The following is an entry in ClinVar:

ClinVar aggregate classification (germline): Uncertain significance (0 of 4 stars; one submission).

Conditions:
EPHA2-related disorder. Also called: EPHA2-related condition.

Allele frequency attached by ClinVar (database versions not stated): ExAC 0.00002; gnomAD 0.00002; TOPMed 0.00002; gnomAD exomes 0.00003.
gnomAD v4.1: 45 of 1,613,686 alleles (0.0028%); highest among the groups gnomAD compares: Non-Finnish European, 0.0033%; no homozygotes.

Submissions (2):

PreventionGenetics, part of Exact Sciences
Classification: Uncertain significance for EPHA2-related condition. Last evaluated: 2023-11-22. Review status: no assertion criteria provided. Collection method: clinical testing. Allele origin: germline.
Comment: The EPHA2 c.921C>T variant is not predicted to result in an amino acid change (p.=). This variant is predicted to introduce a cryptic splice site within exon 4 based on splicing prediction programs (Alamut Visual Plus v.1.6.1). However, these prediction programs are not equivalent to functional evidence. To our knowledge, this variant has not been reported in the literature. This variant is reported in 0.0098% of alleles in individuals of South Asian descent in gnomAD. At this time, the clinical significance of this variant is uncertain due to the absence of conclusive functional and genetic evidence.

Dr. Peter K. Rogan Lab, Western University
No classification provided (evidence only). Condition: Colon adenocarcinoma. Review status: no classification provided. Collection method: in vitro. Allele origin: not applicable. Functional consequence: retained intron. Not counted in ClinVar's aggregate classification.

NM_004431.5(EPHA2):c.921C>T (p.Cys307=)

Gene: EPHA2 (EPH receptor A2; minus strand). Cytogenetic location: 1p36.13.
Variant type: single nucleotide variant.
Coding change: c.921C>T on transcript NM_004431.5 (MANE Select); coding-DNA position 921, C replaced by T.
Protein change: p.Cys307=; no amino-acid change (cysteine 307 retained).
Molecular consequence: synonymous variant.
Genome position (GRCh38, 1-based): chr1:16,138,333, G>A on the plus strand (C>T on the coding strand, the complement: EPHA2 is on the minus strand). VCF-style: chr1-16138333-G-A. GRCh37 (hg19) VCF-style: chr1-16464828-G-A.
Other names: NC_000001.10:g.16464828G>A; c.759C>T, p.Cys253= (NM_001329090.2).
Identifiers: ClinVar variation 2635251 (VCV002635251.4), dbSNP rs775233932, ClinGen allele CA625381.